The following is an entry in ClinVar:

NM_000199.5(SGSH):c.249+25G>T

Gene: SGSH (N-sulfoglucosamine sulfohydrolase; minus strand). Cytogenetic location: 17q25.3.
Variant type: single nucleotide variant.
Coding change: c.249+25G>T on transcript NM_000199.5 (MANE Select); 25 bases into the intron after coding-DNA position 249, G replaced by T.
Molecular consequence: intron variant.
Genome position (GRCh38, 1-based): chr17:80,217,007, C>A on the plus strand (G>T on the coding strand, the complement: SGSH is on the minus strand). VCF-style: chr17-80217007-C-A. GRCh37 (hg19) VCF-style: chr17-78190806-C-A.
Other names: c.249+25G>T (NM_001352921.3, NM_001352922.2).
Identifiers: ClinVar variation 559106 (VCV000559106.16), dbSNP rs200104349, ClinGen allele CA8818129.

ClinVar aggregate classification (germline): Benign/Likely benign. Review status: criteria provided, multiple submitters, no conflicts (2 of 4 stars). 4 submissions from 4 submitters: Benign (1); Likely benign (1). 2 of the submissions do not count toward it. Last evaluated 2026-02-03.

Conditions:
Mucopolysaccharidosis, MPS-III-A (MPS3A). Also called: Mucopolysaccharidosis, type IIIA; MPS IIIA (Sanfilippo Syndrome Type A); MPS III A; SANFILIPPO SYNDROME A; SULFAMIDASE DEFICIENCY; Mucopolysaccharidosis type IIIA (Sanfilippo A). Identifiers: Orphanet 581, Orphanet 79269, MedGen C0086647, MONDO:0009655, OMIM 252900.
SGSH-related disorder. Also called: SGSH-related condition.

Allele frequency attached by ClinVar (database versions not stated): gnomAD exomes 0.00031 and 0.00070; 1000 Genomes Project 30x 0.00250; gnomAD 0.00372 and 0.00345; ExAC 0.00178; TOPMed 0.00425; 1000 Genomes Project 0.00240; ESP Exome Variant Server 0.00289.
gnomAD v4.1: 968 of 1,531,536 alleles (0.063%); highest among the groups gnomAD compares: African/African-American, 1.2%; 5 homozygotes.

Submissions (5):

Labcorp Genetics (formerly Invitae), Labcorp
Classification: Benign for Mucopolysaccharidosis, MPS-III-A. Last evaluated: 2026-02-03. Review status: criteria provided, single submitter. Criteria: Invitae Variant Classification Sherloc (09022015). Collection method: clinical testing. Allele origin: germline.

Blueprint Genetics
Classification: Likely benign. Last evaluated: 2024-11-01. Review status: criteria provided, single submitter. Criteria: ACMG Guidelines, 2015. Collection method: clinical testing. Allele origin: germline.

PreventionGenetics, part of Exact Sciences
Classification: Benign for SGSH-related condition. Last evaluated: 2022-10-06. Review status: no assertion criteria provided. Collection method: clinical testing. Allele origin: germline. Not counted in ClinVar's aggregate classification.
Comment: This variant is classified as benign based on ACMG/AMP sequence variant interpretation guidelines (Richards et al. 2015 PMID: 25741868, with internal and published modifications).

Mayo Clinic Laboratories, Mayo Clinic
Classification: Likely benign. Last evaluated: 2017-09-21. Review status: no assertion criteria provided. Collection method: clinical testing. Allele origin: unknown. Not counted in ClinVar's aggregate classification.

Dr. Peter K. Rogan Lab, Western University
No classification provided (evidence only). Condition: Uterine corpus endometrial carcinoma. Review status: no classification provided. Collection method: in vitro. Allele origin: not applicable. Functional consequence: retained intron. Not counted in ClinVar's aggregate classification.